The following is an entry in ClinVar:

NM_001278116.2(L1CAM):c.3676A>T (p.Ile1226Phe)

Gene: L1CAM (L1 cell adhesion molecule; minus strand). Cytogenetic location: Xq28.
Variant type: single nucleotide variant.
Coding change: c.3676A>T on transcript NM_001278116.2 (MANE Select); coding-DNA position 3676, A replaced by T.
Protein change: p.Ile1226Phe; replaces isoleucine 1226 with phenylalanine.
Molecular consequence: missense variant.
Genome position (GRCh38, 1-based): chrX:153,862,761, T>A on the plus strand (A>T on the coding strand, the complement: L1CAM is on the minus strand). VCF-style: chrX-153862761-T-A. GRCh37 (hg19) VCF-style: chrX-153128216-T-A.
Other names: c.3676A>T, p.Ile1226Phe (NM_000425.5); c.3649A>T, p.Ile1217Phe (NM_001143963.2); c.3664A>T, p.Ile1222Phe (NM_024003.3); short protein forms I1217F, I1222F, I1226F.
Identifiers: ClinVar variation 4802209 (VCV004802209.1).
Genomic context (GRCh38, chrX:153,862,761, plus strand): 5'-CCCCTGAGCTGTCATTGCCCCCTGCCGCCTCCTTCTCCTTCTTGCCACTGTACTGGCCAA[T>A]GAACGAACCATCCTCGTTGAACTGAACATCCACGCTGCCCCCATAATCGGCCAGGCTGTC-3'
Protein context (NP_001265045.1, residues 1216-1236): DVQFNEDGSF[Ile1226Phe]GQYSGKKEKE

ClinVar aggregate classification (germline): Uncertain significance (1 of 4 stars; one submission).

Conditions:
Spastic paraplegia. Identifiers: MedGen C0037772, HP:0001258.

Submission:

Labcorp Genetics (formerly Invitae), Labcorp
Classification: Uncertain significance for Spastic paraplegia. Last evaluated: 2025-07-13. Review status: criteria provided, single submitter. Criteria: Invitae Variant Classification Sherloc (09022015). Collection method: clinical testing. Allele origin: germline.
Comment: This sequence change replaces isoleucine, which is neutral and non-polar, with phenylalanine, which is neutral and non-polar, at codon 1226 of the L1CAM protein (p.Ile1226Phe). This variant is not present in population databases (gnomAD no frequency). This variant has not been reported in the literature in individuals affected with L1CAM-related conditions. Invitae Evidence Modeling of protein sequence and biophysical properties (such as structural, functional, and spatial information, amino acid conservation, physicochemical variation, residue mobility, and thermodynamic stability) has been performed for this missense variant. However, the output from this modeling did not meet the statistical confidence thresholds required to predict the impact of this variant on L1CAM protein function. In summary, the available evidence is currently insufficient to determine the role of this variant in disease. Therefore, it has been classified as a Variant of Uncertain Significance.